The following is an entry in ClinVar:

ClinVar aggregate classification (germline): Likely benign (1 of 4 stars; one submission).

Conditions:
Charcot-Marie-Tooth disease type 4H (CMT4H). Also called: CHARCOT-MARIE-TOOTH DISEASE, AUTOSOMAL RECESSIVE, TYPE 4H; CHARCOT-MARIE-TOOTH DISEASE, DEMYELINATING, AUTOSOMAL RECESSIVE, TYPE 4H; CHARCOT-MARIE-TOOTH NEUROPATHY, TYPE 4H; CHARCOT-MARIE-TOOTH DISEASE, DEMYELINATING, TYPE 4H. Identifiers: Orphanet 99954, MedGen C1836336, MONDO:0012250, OMIM 609311.

Allele frequency attached by ClinVar (database versions not stated): gnomAD 0.00027 and 0.00033; TOPMed 0.00043; 1000 Genomes Project 30x 0.00219; 1000 Genomes Project 0.00240.

Submission:

Illumina Laboratory Services, Illumina
Classification: Likely benign for Charcot-Marie-Tooth disease type 4H. Last evaluated: 2018-01-13. Review status: criteria provided, single submitter. Criteria: ICSL Variant Classification Criteria 13 December 2019. Collection method: clinical testing. Allele origin: germline.
Comment: This variant was observed in the ICSL laboratory as part of a predisposition screen in an ostensibly healthy population. It had not been previously curated by ICSL or reported in the Human Gene Mutation Database (HGMD: prior to June 1st, 2018), and was therefore a candidate for classification through an automated scoring system. Utilizing variant allele frequency, disease prevalence and penetrance estimates, and inheritance mode, an automated score was calculated to assess if this variant is too frequent to cause the disease. Based on the score and internal cut-off values, a variant classified as likely benign is not then subjected to further curation. The score for this variant resulted in a classification of likely benign for this disease.

NM_001370298.3(FGD4):c.*5244G>A

Gene: FGD4 (FYVE, RhoGEF and PH domain containing 4; plus strand). Cytogenetic location: 12p11.21.
Variant type: single nucleotide variant.
Coding change: c.*5244G>A on transcript NM_001370298.3 (MANE Select); 5244 bases downstream of the stop codon, G replaced by A.
Molecular consequence: 3 prime UTR variant.
Genome position (GRCh38, 1-based): chr12:32,645,777, G>A. VCF-style: chr12-32645777-G-A. GRCh37 (hg19) VCF-style: chr12-32798711-G-A.
Other names: c.*5244G>A (NM_001304481.2, NM_001304484.2, NM_001330373.2 and 5 more transcripts); c.*1152G>A (NM_001384126.1, NM_001384127.1, NM_001384128.1).
Identifiers: ClinVar variation 308379 (VCV000308379.5), dbSNP rs186014657, ClinGen allele CA10641919.